The following is an entry in ClinVar:

NM_001370466.1(NOD2):c.1245C>T (p.Phe415=)

Gene: NOD2 (nucleotide binding oligomerization domain containing 2; plus strand). Cytogenetic location: 16q12.1.
Variant type: single nucleotide variant.
Coding change: c.1245C>T on transcript NM_001370466.1 (MANE Select); coding-DNA position 1245, C replaced by T.
Protein change: p.Phe415=; no amino-acid change (phenylalanine 415 retained).
Molecular consequence: synonymous variant. On other transcripts: non-coding transcript variant (1).
Genome position (GRCh38, 1-based): chr16:50,711,237, C>T. VCF-style: chr16-50711237-C-T. GRCh37 (hg19) VCF-style: chr16-50745148-C-T.
Other names: c.1245C>T, p.Phe415= (NM_001293557.2); c.1326C>T, p.Phe442= (NM_022162.3).
Identifiers: ClinVar variation 786292 (VCV000786292.36), dbSNP rs151315883, ClinGen allele CA8051522.

ClinVar aggregate classification (germline): Conflicting classifications of pathogenicity. Review status: criteria provided, conflicting classifications (1 of 4 stars). 3 submissions from 3 submitters: Uncertain significance (1); Likely benign (2). Last evaluated 2025-10-07.

Conditions:
Blau syndrome (BLAUS). Also called: GRANULOMATOSIS, FAMILIAL JUVENILE SYSTEMIC; GRANULOMATOSIS, FAMILIAL, BLAU TYPE; GRANULOMATOUS INFLAMMATORY ARTHRITIS, DERMATITIS, AND UVEITIS, FAMILIAL; JABS SYNDROME; ARTHROCUTANEOUVEAL GRANULOMATOSIS. Identifiers: Orphanet 90340, MedGen C5201146, MONDO:0008523, OMIM 186580.
Regional enteritis. Also called: Enteritis, Granulomatous. Identifiers: MedGen C0678202, MeSH D003424.
Autoinflammatory syndrome. Identifiers: Orphanet 93665, MedGen C3890737, MONDO:0019751.

Allele frequency attached by ClinVar (database versions not stated): gnomAD exomes 0.00002 and 0.00006; ExAC 0.00007; gnomAD 0.00021; ESP Exome Variant Server 0.00023; TOPMed 0.00028; 1000 Genomes Project 30x 0.00031; 1000 Genomes Project 0.00040.
gnomAD v4.1: 56 of 1,614,036 alleles (0.0035%); highest among the groups gnomAD compares: African/African-American, 0.069%; no homozygotes.

Submissions (3):

Labcorp Genetics (formerly Invitae), Labcorp
Classification: Likely benign for Regional enteritis; Blau syndrome. Last evaluated: 2025-10-07. Review status: criteria provided, single submitter. Criteria: Invitae Variant Classification Sherloc (09022015). Collection method: clinical testing. Allele origin: germline.

CeGaT Center for Human Genetics Tuebingen
Classification: Likely benign. Last evaluated: 2022-12-01. Review status: criteria provided, single submitter. Criteria: CeGaT Center For Human Genetics Tuebingen Variant Classification Criteria Version 2. Collection method: clinical testing. Allele origin: germline. Affected: yes. Observed: 1 variant allele.
Comment: NOD2: BP4, BP7

Genome Diagnostics Laboratory, The Hospital for Sick Children
Classification: Uncertain significance for Autoinflammatory syndrome. Last evaluated: 2021-03-29. Review status: criteria provided, single submitter. Criteria: ACMG Guidelines, 2015. Collection method: clinical testing. Allele origin: germline. Affected: yes.